The following is an entry in ClinVar:

NM_000321.3(RB1):c.1421+1G>C

Gene: RB1 (RB transcriptional corepressor 1; plus strand). Cytogenetic location: 13q14.2.
Variant type: single nucleotide variant.
Coding change: c.1421+1G>C on transcript NM_000321.3 (MANE Select); the canonical splice donor site of the intron after coding-DNA position 1421, G replaced by C.
Molecular consequence: splice donor variant.
Genome position (GRCh38, 1-based): chr13:48,380,085, G>C. VCF-style: chr13-48380085-G-C. GRCh37 (hg19) VCF-style: chr13-48954221-G-C.
Other names: c.1421+1G>C (NM_001407165.1, NM_001407166.1).
Identifiers: ClinVar variation 428708 (VCV000428708.15), dbSNP rs1131690886, ClinGen allele CA388162744.

ClinVar aggregate classification (germline): Pathogenic/Likely pathogenic. Review status: criteria provided, multiple submitters, no conflicts (2 of 4 stars). 2 submissions from 2 submitters: Pathogenic (1); Likely pathogenic (1). Last evaluated 2020-07-19.
ClinVar aggregate classification (oncogenicity): Oncogenic (1 of 4 stars; one submission).

Conditions:
Hereditary cancer-predisposing syndrome. Also called: Hereditary Cancer Syndrome; Neoplastic Syndromes, Hereditary; Hereditary neoplastic syndrome; Tumor predisposition. Identifiers: Orphanet 140162, MedGen C0027672, MeSH D009386, MONDO:0015356.
Retinoblastoma (RB1). Also called: RETINOBLASTOMA, SOMATIC. Identifiers: Orphanet 790, MedGen C0035335, MeSH D012175, MONDO:0008380, OMIM 180200, HP:0009919. Disease mechanism: loss of function. Inheritance: Both sporadic and heritable forms are tested..
Neoplasm. Also called: tumor; Neoplasms; Neoplasm (disease). Identifiers: MedGen C0027651, MeSH D009369, MONDO:0005070, HP:0002664.

Submissions (3):

Center for Genomic Medicine, Rigshospitalet, Copenhagen University Hospital
Classification: Oncogenic for Neoplasm. Last evaluated: 2025-12-29. Review status: criteria provided, single submitter. Criteria: ClinGen/CGC/VICC Guidelines for Oncogenicity, 2022. Collection method: clinical testing. Allele origin: somatic. Affected: yes.

Labcorp Genetics (formerly Invitae), Labcorp
Classification: Pathogenic for Retinoblastoma. Last evaluated: 2020-07-19. Review status: criteria provided, single submitter. Criteria: Invitae Variant Classification Sherloc (09022015). Collection method: clinical testing. Allele origin: germline.
Comment: This sequence change affects a donor splice site in intron 15 of the RB1 gene. It is expected to disrupt RNA splicing and likely results in an absent or disrupted protein product. For these reasons, this variant has been classified as Pathogenic. Donor and acceptor splice site variants typically lead to a loss of protein function (PMID: 16199547), and loss-of-function variants in RB1 are known to be pathogenic (PMID: 17096365). Algorithms developed to predict the effect of sequence changes on RNA splicing suggest that this variant may disrupt the consensus splice site, but this prediction has not been confirmed by published transcriptional studies. Disruption of this splice site has been observed in individual(s) with retinoblastoma (PMID: 30636860, Invitae). ClinVar contains an entry for this variant (Variation ID: 428708). This variant is not present in population databases (ExAC no frequency).

Ambry Genetics
Classification: Likely pathogenic for Hereditary cancer-predisposing syndrome. Last evaluated: 2015-02-25. Review status: criteria provided, single submitter. Criteria: Ambry Variant Classification Scheme 2023. Collection method: clinical testing. Allele origin: germline.
Comment: The c.1421+1G>C intronic variant results from a G to C substitution one nucleotide after coding exon 15 of the RB1 gene. This variant was not reported in population based cohorts in the following databases: Database of Single Nucleotide Polymorphisms (dbSNP), NHLBI Exome Sequencing Project (ESP), and 1000 Genomes Project. In the ESP, this variant was not observed in 5571 samples (11142 alleles) with coverage at this position. To date, this alteration has been detected with an allele frequency of approximately 0.25% (greater than 400 alleles tested) in our clinical cohort. This nucleotide position is highly conserved in available vertebrate species. Using the BDGP and ESEfinder splice site prediction tools, this alteration is predicted to abolish the native donor splice site; however, direct evidence is unavailable. Alterations that disrupt the canonical splice donor site are typically deleterious in nature (ACMG Recommendations for Standards for Interpretation and Reporting of Sequence Variations. Revision 2007. Genet Med. 2008;10:294). As such, the c.1421+1G>C variant is classified as likely pathogenic.

Literature cited by the submitters: PubMed 30636860 (cited by Center for Genomic Medicine, Rigshospitalet, Copenhagen University Hospital and Labcorp Genetics (formerly Invitae), Labcorp); PubMed 16199547 (cited by Labcorp Genetics (formerly Invitae), Labcorp); PubMed 17096365 (cited by Labcorp Genetics (formerly Invitae), Labcorp).